The following is an entry in ClinVar:

NM_001105206.3(LAMA4):c.440A>T (p.Tyr147Phe)

Gene: LAMA4 (laminin subunit alpha 4; minus strand). Cytogenetic location: 6q21.
Variant type: single nucleotide variant.
Coding change: c.440A>T on transcript NM_001105206.3 (MANE Select); coding-DNA position 440, A replaced by T.
Protein change: p.Tyr147Phe; replaces tyrosine 147 with phenylalanine.
Molecular consequence: missense variant.
Genome position (GRCh38, 1-based): chr6:112,201,671, T>A on the plus strand (A>T on the coding strand, the complement: LAMA4 is on the minus strand). VCF-style: chr6-112201671-T-A. GRCh37 (hg19) VCF-style: chr6-112522872-T-A.
Other names: c.440A>T, p.Tyr147Phe (NM_001105207.3, NM_002290.5); short protein forms Y147F.
Identifiers: ClinVar variation 2712057 (VCV002712057.4), dbSNP rs1783755711, ClinGen allele CA365379843.

ClinVar aggregate classification (germline): Uncertain significance. Review status: criteria provided, multiple submitters, no conflicts (2 of 4 stars). 2 submissions from 2 submitters: Uncertain significance (2). Last evaluated 2025-03-23.

Conditions:
Cardiovascular phenotype. Identifiers: MedGen CN230736.
Dilated cardiomyopathy 1JJ (CMD1JJ). Identifiers: Orphanet 154, MedGen C3808935, MONDO:0014095, OMIM 615235.

gnomAD v4.1: 3 of 1,613,870 alleles (0.00019%); highest among the groups gnomAD compares: Non-Finnish European, 0.00025%; no homozygotes.

Submissions (2):

Ambry Genetics
Classification: Uncertain significance for Cardiovascular phenotype. Last evaluated: 2025-03-23. Review status: criteria provided, single submitter. Criteria: Ambry Variant Classification Scheme 2023. Collection method: clinical testing. Allele origin: germline.
Comment: The p.Y147F variant (also known as c.440A>T), located in coding exon 4 of the LAMA4 gene, results from an A to T substitution at nucleotide position 440. The tyrosine at codon 147 is replaced by phenylalanine, an amino acid with highly similar properties. This amino acid position is conserved. In addition, this alteration is predicted to be tolerated by in silico analysis. Based on the available evidence, the clinical significance of this variant remains unclear.

Labcorp Genetics (formerly Invitae), Labcorp
Classification: Uncertain significance for Dilated cardiomyopathy 1JJ. Last evaluated: 2023-12-13. Review status: criteria provided, single submitter. Criteria: Invitae Variant Classification Sherloc (09022015). Collection method: clinical testing. Allele origin: germline.
Comment: This sequence change replaces tyrosine, which is neutral and polar, with phenylalanine, which is neutral and non-polar, at codon 147 of the LAMA4 protein (p.Tyr147Phe). This variant is not present in population databases (gnomAD no frequency). This variant has not been reported in the literature in individuals affected with LAMA4-related conditions. An algorithm developed to predict the effect of missense changes on protein structure and function (PolyPhen-2) suggests that this variant is likely to be tolerated. In summary, the available evidence is currently insufficient to determine the role of this variant in disease. Therefore, it has been classified as a Variant of Uncertain Significance.